The following is an entry in ClinVar:

ClinVar aggregate classification (germline): Conflicting classifications of pathogenicity. Review status: criteria provided, conflicting classifications (1 of 4 stars). 9 submissions from 9 submitters: Uncertain significance (6); Benign (1); Likely benign (2). Last evaluated 2026-09-04.

Conditions:
PALB2-related disorder. Also called: PALB2-related condition; PALB2-related disorders.
Hereditary cancer-predisposing syndrome. Also called: Neoplastic Syndromes, Hereditary; Hereditary neoplastic syndrome; Hereditary Cancer Syndrome; Tumor predisposition. Identifiers: Orphanet 140162, MedGen C0027672, MeSH D009386, MONDO:0015356.
Familial cancer of breast. Also called: BREAST CANCER, FAMILIAL; Hereditary breast cancer; hereditary breast carcinoma. Identifiers: Orphanet 227535, MedGen C0346153, MONDO:0016419, OMIM 114480. Disease mechanism: loss of function.

Allele frequency attached by ClinVar (database versions not stated): gnomAD exomes 0.00001 and 0.00002; ExAC 0.00002; TOPMed 0.00003; gnomAD 0.00004 and 0.00005; 1000 Genomes Project 0.00020; ESP Exome Variant Server 0.00023; 1000 Genomes Project 30x 0.00031.
gnomAD v4.1: 15 of 1,614,190 alleles (0.00093%); highest among the groups gnomAD compares: African/African-American, 0.02%; no homozygotes.

Submissions (9):

PreventionGenetics, part of Exact Sciences
Classification: Uncertain significance for PALB2-related condition. Last evaluated: 2026-09-04. Review status: criteria provided, single submitter. Criteria: ACMG Guidelines, 2015. Collection method: clinical testing. Allele origin: germline.
Comment: The PALB2 c.668T>C variant is predicted to result in the amino acid substitution p.Ile223Thr. This variant has been reported in a cohort of individuals with advanced cancer (Mandelker et al. 2017. PubMed ID: 28873162). It is reported in 0.024% of alleles in individuals of African descent in gnomAD and has conflicting interpretations in ClinVar ranging from likely benign to uncertain (Variation ID: 245749). Although we suspect that this variant may be benign, at this time, the clinical significance of this variant is uncertain due to the absence of conclusive functional and genetic evidence.

Labcorp Genetics (formerly Invitae), Labcorp
Classification: Uncertain significance for Familial cancer of breast. Last evaluated: 2025-07-24. Review status: criteria provided, single submitter. Criteria: Invitae Variant Classification Sherloc (09022015). Collection method: clinical testing. Allele origin: germline.
Comment: This sequence change replaces isoleucine, which is neutral and non-polar, with threonine, which is neutral and polar, at codon 223 of the PALB2 protein (p.Ile223Thr). This variant is present in population databases (rs150517167, gnomAD 0.02%). This missense change has been observed in individual(s) with advanced cancer (PMID: 28873162). ClinVar contains an entry for this variant (Variation ID: 245749). An algorithm developed to predict the effect of missense changes on protein structure and function outputs the following: PolyPhen-2: "Benign". The threonine amino acid residue is found in multiple mammalian species, which suggests that this missense change does not adversely affect protein function. In summary, the available evidence is currently insufficient to determine the role of this variant in disease. Therefore, it has been classified as a Variant of Uncertain Significance.

Myriad Genetics, Inc.
Classification: Benign for Familial cancer of breast. Last evaluated: 2025-04-01. Review status: criteria provided, single submitter. Criteria: Myriad Autosomal Dominant, Autosomal Recessive and X-Linked Classification Criteria (2023). Collection method: clinical testing. Allele origin: unknown.
Comment: This variant is considered benign. This variant is strongly associated with less severe personal and family histories of cancer, typical for individuals without pathogenic variants in this gene [PMID: 25085752]. This variant has been observed in trans with a known pathogenic variant in one or more individuals lacking clinical features consistent with gene-specific recessive disease.

Color Diagnostics, LLC DBA Color Health
Classification: Likely benign for Hereditary cancer-predisposing syndrome. Last evaluated: 2024-09-24. Review status: criteria provided, single submitter. Criteria: ACMG Guidelines, 2015. Collection method: clinical testing. Allele origin: germline.

Quest Diagnostics Nichols Institute San Juan Capistrano
Classification: Uncertain significance. Last evaluated: 2024-07-15. Review status: criteria provided, single submitter. Criteria: Quest Diagnostics criteria. Collection method: clinical testing. Allele origin: unknown.
Comment: The PALB2 c.668T>C (p.Ile223Thr) variant has been reported in the published literature in individuals with advanced cancer (PMID: 28873162 (2017)) and breast cancer (PMID: 23555315 (2013)). The frequency of this variant in the general population, 0.00024 (6/24866 chromosomes (Genome Aggregation Database)), is uninformative in the assessment of its pathogenicity. Analysis of this variant using bioinformatics tools for the prediction of the effect of amino acid changes on protein structure and function yielded predictions that this variant is benign. Based on the available information, we are unable to determine the clinical significance of this variant.

GeneDx
Classification: Uncertain significance. Last evaluated: 2023-09-13. Review status: criteria provided, single submitter. Criteria: GeneDx Variant Classification Process June 2021. Collection method: clinical testing. Allele origin: germline. Affected: yes.
Comment: In silico analysis supports that this missense variant does not alter protein structure/function; Observed in individuals with cancer (Mandelker et al., 2017); This variant is associated with the following publications: (PMID: 28873162, 23555315, 19369211)

Ambry Genetics
Classification: Likely benign for Hereditary cancer-predisposing syndrome. Last evaluated: 2022-03-04. Review status: criteria provided, single submitter. Criteria: Ambry Variant Classification Scheme 2023. Collection method: clinical testing. Allele origin: germline.

Sema4
Classification: Uncertain significance for Hereditary cancer-predisposing syndrome. Last evaluated: 2021-12-23. Review status: criteria provided, single submitter. Criteria: Sema4 Curation Guidelines. Collection method: curation. Allele origin: germline.
Comment: The PALB2 c.668T>C (p.I223T) variant has been reported in at least one individual with advanced cancer (PMID: 28873162). It was observed in 6/24866 chromosomes of the African/African American subpopulation in the large and broad cohorts of the Genome Aggregation Database. The variant has been reported in ClinVar (Variation ID 245749). In silico tools suggest the impact of the variant on protein function is benign, though these predictions have not been confirmed by functional studies. The evidence is insufficient to meet ACMG/AMP criteria for classifying the variant as benign or pathogenic. Thus, the clinical significance of this variant is currently uncertain.

Women's Health and Genetics/Laboratory Corporation of America, LabCorp
Classification: Uncertain significance. Last evaluated: 2019-09-06. Review status: criteria provided, single submitter. Criteria: LabCorp Variant Classification Summary - May 2015. Collection method: clinical testing. Allele origin: germline.
Comment: Variant summary: PALB2 c.668T>C (p.Ile223Thr) results in a non-conservative amino acid change in the encoded protein sequence. Four of five in-silico tools predict a benign effect of the variant on protein function. The variant allele was found at a frequency of 2e-05 in 251258 control chromosomes. The available data on variant occurrences in the general population are insufficient to allow any conclusion about variant significance. To our knowledge, no occurrence of c.668T>C in individuals affected with Breast Cancer and no experimental evidence demonstrating its impact on protein function have been reported. Four clinical diagnostic laboratories have submitted clinical-significance assessments for this variant to ClinVar after 2014 without evidence for independent evaluation. All laboratories classified the variant as uncertain significance. Based on the evidence outlined above, the variant was classified as uncertain significance.

Literature cited by the submitters: PubMed 28873162 (cited by 3 submitters); PubMed 25085752 (cited by Myriad Genetics, Inc.); PubMed 23555315 (cited by Quest Diagnostics Nichols Institute San Juan Capistrano and Women's Health and Genetics/Laboratory Corporation of America, LabCorp).

NM_024675.4(PALB2):c.668T>C (p.Ile223Thr)

Gene: PALB2 (partner and localizer of BRCA2; minus strand). Cytogenetic location: 16p12.2.
Variant type: single nucleotide variant.
Coding change: c.668T>C on transcript NM_024675.4 (MANE Select); coding-DNA position 668, T replaced by C.
Protein change: p.Ile223Thr; replaces isoleucine 223 with threonine.
Molecular consequence: missense variant.
Genome position (GRCh38, 1-based): chr16:23,635,878, A>G on the plus strand (T>C on the coding strand, the complement: PALB2 is on the minus strand). VCF-style: chr16-23635878-A-G. GRCh37 (hg19) VCF-style: chr16-23647199-A-G.
Other names: short protein forms I223T.
Identifiers: ClinVar variation 245749 (VCV000245749.28), dbSNP rs150517167, ClinGen allele CA7963771.